The following is an entry in ClinVar:

NM_020693.4(DSCAML1):c.824G>A (p.Arg275His)

Gene: DSCAML1 (DS cell adhesion molecule like 1; minus strand). Cytogenetic location: 11q23.3.
Variant type: single nucleotide variant.
Coding change: c.824G>A on transcript NM_020693.4 (MANE Select); coding-DNA position 824, G replaced by A.
Protein change: p.Arg275His; replaces arginine 275 with histidine.
Molecular consequence: missense variant.
Genome position (GRCh38, 1-based): chr11:117,524,918, C>T on the plus strand (G>A on the coding strand, the complement: DSCAML1 is on the minus strand). VCF-style: chr11-117524918-C-T. GRCh37 (hg19) VCF-style: chr11-117395633-C-T.
Other names: c.824G>A, p.Arg275His (NM_001367904.1); c.416G>A, p.Arg139His (NM_001367905.1); short protein forms R275H, R139H.
Identifiers: ClinVar variation 1938096 (VCV001938096.5), dbSNP rs370860025, ClinGen allele CA6297442.

ClinVar aggregate classification (germline): Uncertain significance (1 of 4 stars; one submission).

Allele frequency attached by ClinVar (database versions not stated): ExAC 0.00002; TOPMed 0.00002; gnomAD 0.00003; gnomAD exomes 0.00004; ESP Exome Variant Server 0.00008; 1000 Genomes Project 30x 0.00031; 1000 Genomes Project 0.00040.
gnomAD v4.1: 56 of 1,613,628 alleles (0.0035%); highest among the groups gnomAD compares: East Asian, 0.011%; no homozygotes.

Submission:

Labcorp Genetics (formerly Invitae), Labcorp
Classification: Uncertain significance. Last evaluated: 2022-10-10. Review status: criteria provided, single submitter. Criteria: Invitae Variant Classification Sherloc (09022015). Collection method: clinical testing. Allele origin: germline.
Comment: In summary, the available evidence is currently insufficient to determine the role of this variant in disease. Therefore, it has been classified as a Variant of Uncertain Significance. Algorithms developed to predict the effect of missense changes on protein structure and function output the following: SIFT: "Deleterious"; PolyPhen-2: "Benign"; Align-GVGD: "Class C0". The histidine amino acid residue is found in multiple mammalian species, which suggests that this missense change does not adversely affect protein function. This variant has not been reported in the literature in individuals affected with DSCAML1-related conditions. This variant is present in population databases (rs370860025, gnomAD 0.02%). This sequence change replaces arginine, which is basic and polar, with histidine, which is basic and polar, at codon 335 of the DSCAML1 protein (p.Arg335His).